The following is an entry in ClinVar:

ClinVar aggregate classification (germline): Pathogenic. Review status: reviewed by expert panel (3 of 4 stars). 2 submissions from 2 submitters: Pathogenic (1). 1 of the submissions does not count toward it. Last evaluated 2017-12-15.

Conditions:
Hereditary breast ovarian cancer syndrome. Also called: Hereditary breast and ovarian cancer syndrome (HBOC); BRCA1- and BRCA2-Associated Hereditary Breast and Ovarian Cancer; Hereditary breast and/or ovarian cancer syndrome; Hereditary breast and ovarian cancer syndrome; Hereditary breast and ovarian cancer; Breast and ovarian cancer. Identifiers: Orphanet 145, MedGen C0677776, MeSH D061325, MONDO:0003582. Disease mechanism: loss of function.
Breast-ovarian cancer, familial, susceptibility to, 1 (BROVCA1). Also called: BRCA1 Hereditary Breast and Ovarian Cancer; OVARIAN CANCER, SUSCEPTIBILITY TO. Identifiers: Orphanet 145, MedGen C2676676, MONDO:0011450, OMIM 604370. Disease mechanism: loss of function.

Submissions (2):

Evidence-based Network for the Interpretation of Germline Mutant Alleles (ENIGMA)
Classification: Pathogenic for Breast-ovarian cancer, familial, susceptibility to, 1. Last evaluated: 2017-12-15. Review status: reviewed by expert panel. Criteria: ENIGMA BRCA1/2 Classification Criteria (2017-06-29). Collection method: curation. Allele origin: germline. Study: ENIGMA.
Comment: Variant allele predicted to encode a truncated non-functional protein.

Department of Pathology and Molecular Medicine, Queen's University
Classification: Pathogenic for Hereditary breast ovarian cancer syndrome. Last evaluated: 2017-04-20. Review status: criteria provided, single submitter. Criteria: ACMG Guidelines, 2015. Collection method: clinical testing. Allele origin: germline. Study: The Canadian Open Genetics Repository (COGR). Not counted in ClinVar's aggregate classification.

NM_007294.4(BRCA1):c.5039_5040del (p.Ile1680fs)

Gene: BRCA1 (BRCA1 DNA repair associated; minus strand). Cytogenetic location: 17q21.31.
Variant type: Deletion.
Coding change: c.5039_5040del on transcript NM_007294.4 (MANE Select); coding-DNA positions 5039 to 5040, 2 bases deleted (TT; older notation c.5039_5040delTT).
Protein change: p.Ile1680fs; shifts the reading frame from isoleucine 1680.
Molecular consequence: frameshift variant. On other transcripts: non-coding transcript variant (1).
Genome position (GRCh38, 1-based): chr17:43,067,642-43,067,643, AA deleted on the plus strand (TT on the coding strand, the reverse complement: BRCA1 is on the minus strand). VCF-style (leftmost placement, unchanged base first): chr17-43067641-TAA-T. GRCh37 (hg19) VCF-style: chr17-41219658-TAA-T.
Other names: c.1589_1590delTT, p.Ile530Asnfs (NM_001408456.1, NM_001408457.1, NM_001408452.1 and 3 more transcripts); c.1586_1587delTT, p.Ile529Asnfs (NM_001408458.1, NM_001408459.1, NM_001408460.1 and 7 more transcripts); c.1583_1584delTT, p.Ile528Asnfs (NM_001408468.1, NM_001408469.1, NM_001408470.1); c.1727_1728delTT, p.Ile576Asnfs (NM_001408472.1, NM_007298.4, NM_007304.2 and 12 more transcripts); c.1724_1725delTT, p.Ile575Asnfs (NM_001408473.1, NM_001408392.1, NM_001408396.1 and 8 more transcripts); c.1529_1530delTT, p.Ile510Asnfs (NM_001408474.1); c.1526_1527delTT, p.Ile509Asnfs (NM_001408475.1, NM_001408476.1); c.1520_1521delTT, p.Ile507Asnfs (NM_001408478.1, NM_001408479.1, NM_001408480.1); and 73 more; short protein forms I1633fs, I1701fs, I576fs, I1680fs.
Identifiers: ClinVar variation 431358 (VCV000431358.2), dbSNP rs1135401935, ClinGen allele CA645373161.